The following is an entry in ClinVar:

NM_001429.4(EP300):c.2393G>A (p.Ser798Asn)

Gene: EP300 (EP300 lysine acetyltransferase; plus strand). Cytogenetic location: 22q13.2.
Variant type: single nucleotide variant.
Coding change: c.2393G>A on transcript NM_001429.4 (MANE Select); coding-DNA position 2393, G replaced by A.
Protein change: p.Ser798Asn; replaces serine 798 with asparagine.
Molecular consequence: missense variant.
Genome position (GRCh38, 1-based): chr22:41,149,774, G>A. VCF-style: chr22-41149774-G-A. GRCh37 (hg19) VCF-style: chr22-41545778-G-A.
Other names: c.2315G>A, p.Ser772Asn (NM_001362843.2); short protein forms S798N, S772N.
Identifiers: ClinVar variation 2753616 (VCV002753616.6), dbSNP rs781326261, ClinGen allele CA10252868.

ClinVar aggregate classification (germline): Benign/Likely benign. Review status: criteria provided, multiple submitters, no conflicts (2 of 4 stars). 3 submissions from 3 submitters: Benign (1); Likely benign (1). 1 of the submissions does not count toward it. Last evaluated 2026-01-02.

Conditions:
Rubinstein-Taybi syndrome due to EP300 haploinsufficiency. Also called: EP300-Related Rubinstein-Taybi Syndrome; RUBINSTEIN-TAYBI SYNDROME 2. Identifiers: Orphanet 353284, Orphanet 783, MedGen C3150941, MONDO:0013364, OMIM 613684.
Inborn genetic diseases. Identifiers: MedGen C0950123, MeSH D030342.
EP300-related disorder. Also called: EP300-related condition; EP300-related disorders.

Allele frequency attached by ClinVar (database versions not stated): TOPMed 0.00003 and 0.00004; ExAC 0.00006; gnomAD 0.00006 and 0.00003; gnomAD exomes 0.00006.
gnomAD v4.1: 101 of 1,614,022 alleles (0.0063%); highest among the groups gnomAD compares: Middle Eastern, 0.082%; 3 homozygotes.

Submissions (3):

Ambry Genetics
Classification: Likely benign for Inborn genetic diseases. Last evaluated: 2026-01-02. Review status: criteria provided, single submitter. Criteria: Ambry Variant Classification Scheme 2023. Collection method: clinical testing. Allele origin: germline.

Labcorp Genetics (formerly Invitae), Labcorp
Classification: Benign for Rubinstein-Taybi syndrome due to EP300 haploinsufficiency. Last evaluated: 2025-11-02. Review status: criteria provided, single submitter. Criteria: Invitae Variant Classification Sherloc (09022015). Collection method: clinical testing. Allele origin: germline.

PreventionGenetics, part of Exact Sciences
Classification: Likely benign for EP300-related condition. Last evaluated: 2022-03-24. Review status: no assertion criteria provided. Collection method: clinical testing. Allele origin: germline. Not counted in ClinVar's aggregate classification.
Comment: This variant is classified as likely benign based on ACMG/AMP sequence variant interpretation guidelines (Richards et al. 2015 PMID: 25741868, with internal and published modifications).